The following is an entry in ClinVar:

ClinVar aggregate classification (germline): Likely benign. Review status: criteria provided, multiple submitters, no conflicts (2 of 4 stars). 2 submissions from 2 submitters: Likely benign (2). Last evaluated 2025-08-29.

Allele frequency attached by ClinVar (database versions not stated): gnomAD 0.00001; TOPMed 0.00001; gnomAD exomes 0.00003; ExAC 0.00004.
gnomAD v4.1: 49 of 1,590,500 alleles (0.0031%); highest among the groups gnomAD compares: Middle Eastern, 0.017%; no homozygotes.

Submissions (2):

Labcorp Genetics (formerly Invitae), Labcorp
Classification: Likely benign. Last evaluated: 2025-08-29. Review status: criteria provided, single submitter. Criteria: Invitae Variant Classification Sherloc (09022015). Collection method: clinical testing. Allele origin: germline.

CeGaT Center for Human Genetics Tuebingen
Classification: Likely benign. Last evaluated: 2023-10-01. Review status: criteria provided, single submitter. Criteria: CeGaT Center For Human Genetics Tuebingen Variant Classification Criteria Version 2. Collection method: clinical testing. Allele origin: germline. Affected: yes. Observed: 1 variant allele.
Comment: KCNQ5: BP4, BP7

NM_019842.4(KCNQ5):c.1638A>C (p.Val546=)

Gene: KCNQ5 (potassium voltage-gated channel subfamily Q member 5; plus strand). Cytogenetic location: 6q13.
Variant type: single nucleotide variant.
Coding change: c.1638A>C on transcript NM_019842.4 (MANE Select); coding-DNA position 1638, A replaced by C.
Protein change: p.Val546=; no amino-acid change (valine 546 retained).
Molecular consequence: synonymous variant.
Genome position (GRCh38, 1-based): chr6:73,190,633, A>C. VCF-style: chr6-73190633-A-C. GRCh37 (hg19) VCF-style: chr6-73900356-A-C.
Other names: c.1611A>C, p.Val537= (NM_001160130.2); c.1668A>C, p.Val556= (NM_001160132.2); c.1695A>C, p.Val565= (NM_001160133.2); c.1308A>C, p.Val436= (NM_001160134.2).
Identifiers: ClinVar variation 1914409 (VCV001914409.29), dbSNP rs753762620, ClinGen allele CA3887113.